The following is an entry in ClinVar:

NM_001134407.3(GRIN2A):c.2069C>T (p.Thr690Met)

Gene: GRIN2A (glutamate ionotropic receptor NMDA type subunit 2A; minus strand). Cytogenetic location: 16p13.2.
Variant type: single nucleotide variant.
Coding change: c.2069C>T on transcript NM_001134407.3 (MANE Select); coding-DNA position 2069, C replaced by T.
Protein change: p.Thr690Met; replaces threonine 690 with methionine.
Molecular consequence: missense variant.
Genome position (GRCh38, 1-based): chr16:9,822,363, G>A on the plus strand (C>T on the coding strand, the complement: GRIN2A is on the minus strand). VCF-style: chr16-9822363-G-A. GRCh37 (hg19) VCF-style: chr16-9916220-G-A.
Other names: c.2069C>T, p.Thr690Met (NM_000833.5, NM_001134408.2); short protein forms T690M.
Identifiers: ClinVar variation 444362 (VCV000444362.59), dbSNP rs1445802934, ClinGen allele CA394797877.
Genomic context (GRCh38, chr16:9,822,363, plus strand): 5'-TGATTAAATTTGGTCATGTACTGATGCATGTAGGGATAGTTATTCCGAATGTTTCTCTCC[G>A]TGCTTCCATTAGGCACTGTCCCAAATCGAAAAGGTGGGGAATAGTCATGAGGTCTCTGAA-3'
Protein context (NP_001127879.1, residues 680-700): FRFGTVPNGS[Thr690Met]ERNIRNNYPY

ClinVar aggregate classification (germline): Pathogenic/Likely pathogenic. Review status: criteria provided, multiple submitters, no conflicts (2 of 4 stars). 7 submissions from 7 submitters: Pathogenic (2); Likely pathogenic (5). Last evaluated 2026-08-01.

Conditions:
Neurodevelopmental disorder. Identifiers: MedGen C1535926, MeSH D065886, MONDO:0700092.
Landau-Kleffner syndrome (FESD). Also called: EPILEPSY, FOCAL, WITH SPEECH DISORDER AND WITH OR WITHOUT MENTAL RETARDATION; APHASIA, ACQUIRED, WITH EPILEPSY. Identifiers: Orphanet 1945, Orphanet 725, Orphanet 98818, MedGen C0282512, MONDO:0009509, OMIM 245570.
Inborn genetic diseases. Identifiers: MedGen C0950123, MeSH D030342.

Allele frequency attached by ClinVar (database versions not stated): gnomAD exomes below 0.00001.
gnomAD v4.1: 1 of 1,612,284 alleles (0.000062%); highest among the groups gnomAD compares: Non-Finnish European, 0.000085%; no homozygotes.

Submissions (7):

CeGaT Center for Human Genetics Tuebingen
Classification: Likely pathogenic. Last evaluated: 2026-08-01. Review status: criteria provided, single submitter. Criteria: CeGaT Center For Human Genetics Tuebingen Variant Classification Criteria Version 2. Collection method: clinical testing. Allele origin: germline. Affected: yes. Observed: 2 variant alleles.
Comment: GRIN2A: PM2, PS4:Moderate, PM6:Supporting, PP2

Ambry Genetics
Classification: Likely pathogenic for Inborn genetic diseases. Last evaluated: 2026-06-26. Review status: criteria provided, single submitter. Criteria: Ambry Variant Classification Scheme 2023. Collection method: clinical testing. Allele origin: germline.
Comment: The c.2069C>T (p.T690M) alteration is located in exon 11 (coding exon 9) of the GRIN2A gene. This alteration results from a C to T substitution at nucleotide position 2069, causing the threonine (T) at amino acid position 690 to be replaced by a methionine (M). Based on data from gnomAD, the T allele has an overall frequency of <0.001% (1/251308) total alleles studied. The highest observed frequency was 0.001% (1/113654) of European (non-Finnish) alleles. This variant has been determined to be the result of a de novo mutation or has been observed to be heterozygous in individuals with features consistent with GRIN2A-related speech disorders and epilepsy (Fernandez, 2019; Ambry internal data; external communication). This amino acid position is highly conserved in available vertebrate species. This missense alteration is located in a region that has a low rate of benign missense variation (Lek, 2016; Firth, 2009). Based on internal structural analysis, this variant is anticipated to disrupt a region of known function (Stroebel, 2021; Korinek, 2024; Wang, 2021). In an assay testing GRIN2A function, this variant showed a functionally abnormal result (Netolicky, 2025). This alteration is predicted to be deleterious by in silico analysis. Based on the available evidence, this alteration is classified as likely pathogenic.

GeneDx
Classification: Likely pathogenic. Last evaluated: 2025-02-28. Review status: criteria provided, single submitter. Criteria: GeneDx Variant Classification Process June 2021. Collection method: clinical testing. Allele origin: germline. Affected: yes.
Comment: Not observed at significant frequency in large population cohorts (gnomAD); In silico analysis supports that this missense variant has a deleterious effect on protein structure/function; This variant is associated with the following publications: (PMID: 31780880, 27839871)

Labcorp Genetics (formerly Invitae), Labcorp
Classification: Pathogenic for Landau-Kleffner syndrome. Last evaluated: 2024-10-27. Review status: criteria provided, single submitter. Criteria: Invitae Variant Classification Sherloc (09022015). Collection method: clinical testing. Allele origin: germline.
Comment: This sequence change replaces threonine, which is neutral and polar, with methionine, which is neutral and non-polar, at codon 690 of the GRIN2A protein (p.Thr690Met). This variant is present in population databases (no rsID available, gnomAD 0.0009%). This missense change has been observed in individual(s) with epilepsy (PMID: 31780880). In at least one individual the variant was observed to be de novo. ClinVar contains an entry for this variant (Variation ID: 444362). Invitae Evidence Modeling of protein sequence and biophysical properties (such as structural, functional, and spatial information, amino acid conservation, physicochemical variation, residue mobility, and thermodynamic stability) indicates that this missense variant is expected to disrupt GRIN2A protein function with a positive predictive value of 95%. For these reasons, this variant has been classified as Pathogenic.

Laboratory of Molecular Genetics (Pr. Bezieau's lab), CHU de Nantes
Classification: Likely pathogenic for Neurodevelopmental disorder. Last evaluated: 2021-04-01. Review status: criteria provided, single submitter. Criteria: ACMG Guidelines, 2015. Collection method: clinical testing. Allele origin: germline. Affected: yes.

NeuroMeGen, Hospital Clinico Santiago de Compostela
Classification: Likely pathogenic for Landau-Kleffner syndrome. Last evaluated: 2018-01-01. Review status: criteria provided, single submitter. Criteria: ACMG Guidelines, 2015. Collection method: clinical testing. Allele origin: de novo. Affected: yes. Observed: 1 heterozygote.

3billion
Classification: Pathogenic for Landau-Kleffner syndrome. Review status: criteria provided, single submitter. Criteria: ACMG Guidelines, 2015. Collection method: clinical testing. Allele origin: unknown. Affected: yes. Observed: 1 heterozygote.
Comment: The variant is observed at an extremely low frequency in the gnomAD v2.1.1 dataset (total allele frequency: <0.001%). In silico tool predictions suggest damaging effect of the variant on gene or gene product (REVEL: 0.61; 3Cnet: 0.84). Same nucleotide change resulting in same amino acid change has been previously reported to be associated with GRIN2A related disorder (ClinVar ID: VCV000444362 / PMID: 31780880). The variant has been previously reported as de novo in a similarly affected individual (PMID: 31780880). A different missense change at the same codon (p.Thr690Lys) has been reported as pathogenic/likely pathogenic with strong evidence (ClinVar ID: VCV000981282). Therefore, this variant is classified as Pathogenic according to the recommendation of ACMG/AMP guideline.

Literature cited by the submitters: PubMed 31780880 (cited by 3 submitters); PubMed 32786006 (cited by Ambry Genetics); PubMed 34186027 (cited by Ambry Genetics); PubMed 38836461 (cited by Ambry Genetics); PubMed 40425318 (cited by Ambry Genetics).